The following is an entry in ClinVar:

ClinVar aggregate classification (germline): Uncertain significance (1 of 4 stars; one submission).

Conditions:
Cardiovascular phenotype. Identifiers: MedGen CN230736.

gnomAD v4.1: 2 of 1,613,706 alleles (0.00012%); highest among the groups gnomAD compares: East Asian, 0.0022%; no homozygotes.

Submission:

Ambry Genetics
Classification: Uncertain significance for Cardiovascular phenotype. Last evaluated: 2025-01-28. Review status: criteria provided, single submitter. Criteria: Ambry Variant Classification Scheme 2023. Collection method: clinical testing. Allele origin: germline.
Comment: The p.F601L variant (also known as c.1801T>C), located in coding exon 12 of the NEXN gene, results from a T to C substitution at nucleotide position 1801. The phenylalanine at codon 601 is replaced by leucine, an amino acid with highly similar properties. This amino acid position is conserved. In addition, the in silico prediction for this alteration is inconclusive. Based on the available evidence, the clinical significance of this variant remains unclear.

NM_144573.4(NEXN):c.1801T>C (p.Phe601Leu)

Gene: NEXN (nexilin F-actin binding protein; plus strand). Cytogenetic location: 1p31.1.
Variant type: single nucleotide variant.
Coding change: c.1801T>C on transcript NM_144573.4 (MANE Select); coding-DNA position 1801, T replaced by C.
Protein change: p.Phe601Leu; replaces phenylalanine 601 with leucine.
Molecular consequence: missense variant.
Genome position (GRCh38, 1-based): chr1:77,942,602, T>C. VCF-style: chr1-77942602-T-C. GRCh37 (hg19) VCF-style: chr1-78408287-T-C.
Other names: c.1609T>C, p.Phe537Leu (NM_001172309.2); short protein forms F601L, F537L.
Identifiers: ClinVar variation 3878955 (VCV003878955.1).